The following is an entry in ClinVar:

ClinVar aggregate classification (germline): Conflicting classifications of pathogenicity. Review status: criteria provided, conflicting classifications (1 of 4 stars). 2 submissions from 2 submitters: Uncertain significance (1); Likely benign (1). Last evaluated 2023-06-28.

Conditions:
Wilson disease (WND). Also called: Wilson's disease. Identifiers: Orphanet 905, MedGen C0019202, MONDO:0010200, OMIM 277900. Disease mechanism: loss of function.

Allele frequency attached by ClinVar (database versions not stated): gnomAD exomes below 0.00001; ExAC 0.00001; gnomAD 0.00001; 1000 Genomes Project 30x 0.00016; 1000 Genomes Project 0.00020.
gnomAD v4.1: 1 of 1,614,206 alleles (0.000062%); highest among the groups gnomAD compares: East Asian, 0.0022%; no homozygotes.

Submissions (2):

All of Us Research Program, National Institutes of Health
Classification: Likely benign for Wilson disease. Last evaluated: 2023-06-28. Review status: criteria provided, single submitter. Criteria: ACMG Guidelines, 2015. Collection method: clinical testing. Allele origin: germline. Inheritance: Autosomal recessive inheritance. Observed: 2 variant alleles, 2 heterozygotes.
Comment: This study involves interpretation of variants in research participants for the purpose of population health screening. Participant phenotype was not available at the time of variant classification. Additional details can be found in publication PMID: 35346344, PMCID: PMC8962531

Genome-Nilou Lab
Classification: Uncertain significance for Wilson disease. Last evaluated: 2021-07-14. Review status: criteria provided, single submitter. Criteria: ACMG Guidelines, 2015. Collection method: clinical testing. Allele origin: germline. Affected: no.

NM_000053.4(ATP7B):c.2919G>A (p.Gln973=)

Gene: ATP7B (ATPase copper transporting beta; minus strand). Cytogenetic location: 13q14.3.
Variant type: single nucleotide variant.
Coding change: c.2919G>A on transcript NM_000053.4 (MANE Select); coding-DNA position 2919, G replaced by A.
Protein change: p.Gln973=; no amino-acid change (glutamine 973 retained).
Molecular consequence: synonymous variant.
Genome position (GRCh38, 1-based): chr13:51,946,425, C>T on the plus strand (G>A on the coding strand, the complement: ATP7B is on the minus strand). VCF-style: chr13-51946425-C-T. GRCh37 (hg19) VCF-style: chr13-52520561-C-T.
Other names: c.2298G>A, p.Gln766= (NM_001005918.3); c.2586G>A, p.Gln862= (NM_001243182.2); c.2685G>A, p.Gln895= (NM_001330578.2); c.2667G>A, p.Gln889= (NM_001330579.2).
Identifiers: ClinVar variation 1195963 (VCV001195963.4), dbSNP rs537498754, ClinGen allele CA6988863.